The following is an entry in ClinVar:

NM_000538.4(RFXAP):c.273C>G (p.Asp91Glu)

Gene: RFXAP (regulatory factor X associated protein; plus strand). Cytogenetic location: 13q13.3.
Variant type: single nucleotide variant.
Coding change: c.273C>G on transcript NM_000538.4 (MANE Select); coding-DNA position 273, C replaced by G.
Protein change: p.Asp91Glu; replaces aspartic acid 91 with glutamic acid.
Molecular consequence: missense variant.
Genome position (GRCh38, 1-based): chr13:36,819,630, C>G. VCF-style: chr13-36819630-C-G. GRCh37 (hg19) VCF-style: chr13-37393767-C-G.
Other names: c.273C>G (NM_000538.3); short protein forms D91E.
Identifiers: ClinVar variation 1412370 (VCV001412370.6), dbSNP rs770867769, ClinGen allele CA6950187.

ClinVar aggregate classification (germline): Uncertain significance. Review status: criteria provided, multiple submitters, no conflicts (2 of 4 stars). 2 submissions from 2 submitters: Uncertain significance (2). Last evaluated 2023-02-06.

Conditions:
MHC class II deficiency. Also called: BLS, TYPE II; Bare lymphocyte syndrome 2. Identifiers: Orphanet 572, MedGen C5447452, MONDO:0008855.

Allele frequency attached by ClinVar (database versions not stated): gnomAD exomes 0.00002 and 0.00004; gnomAD 0.00003; ExAC 0.00008.

Submissions (2):

Ambry Genetics
Classification: Uncertain significance. Last evaluated: 2023-02-06. Review status: criteria provided, single submitter. Criteria: Ambry Variant Classification Scheme 2023. Collection method: clinical testing. Allele origin: germline.

Labcorp Genetics (formerly Invitae), Labcorp
Classification: Uncertain significance for MHC class II deficiency. Last evaluated: 2022-08-20. Review status: criteria provided, single submitter. Criteria: Invitae Variant Classification Sherloc (09022015). Collection method: clinical testing. Allele origin: germline.
Comment: This sequence change replaces aspartic acid, which is acidic and polar, with glutamic acid, which is acidic and polar, at codon 91 of the RFXAP protein (p.Asp91Glu). This variant is present in population databases (rs770867769, gnomAD 0.02%). This variant has not been reported in the literature in individuals affected with RFXAP-related conditions. ClinVar contains an entry for this variant (Variation ID: 1412370). Algorithms developed to predict the effect of missense changes on protein structure and function output the following: SIFT: "Deleterious"; PolyPhen-2: "Benign"; Align-GVGD: "Class C0". The glutamic acid amino acid residue is found in multiple mammalian species, which suggests that this missense change does not adversely affect protein function. In summary, the available evidence is currently insufficient to determine the role of this variant in disease. Therefore, it has been classified as a Variant of Uncertain Significance.